The following is an entry in ClinVar:

ClinVar aggregate classification (germline): Uncertain significance. Review status: criteria provided, multiple submitters, no conflicts (2 of 4 stars). 2 submissions from 2 submitters: Uncertain significance (2). Last evaluated 2025-05-15.

Conditions:
Mitochondrial DNA depletion syndrome 9 (MTDPS9). Also called: SUCLG1-Related Mitochondrial DNA Depletion Syndrome, Encephalomyopathic Form with Methylmalonic Aciduria. Identifiers: Orphanet 17, MedGen C3151476, MONDO:0009504, OMIM 245400.
Inborn genetic diseases. Identifiers: MedGen C0950123, MeSH D030342.

Allele frequency attached by ClinVar (database versions not stated): gnomAD exomes 0.00001; gnomAD 0.00009; TOPMed 0.00009.

Submissions (2):

Ambry Genetics
Classification: Uncertain significance for Inborn genetic diseases. Last evaluated: 2025-05-15. Review status: criteria provided, single submitter. Criteria: Ambry Variant Classification Scheme 2023. Collection method: clinical testing. Allele origin: germline.

Labcorp Genetics (formerly Invitae), Labcorp
Classification: Uncertain significance for Mitochondrial DNA depletion syndrome 9. Last evaluated: 2024-12-02. Review status: criteria provided, single submitter. Criteria: Invitae Variant Classification Sherloc (09022015). Collection method: clinical testing. Allele origin: germline.
Comment: This sequence change replaces glutamine, which is neutral and polar, with leucine, which is neutral and non-polar, at codon 73 of the SUCLG1 protein (p.Gln73Leu). This variant is present in population databases (no rsID available, gnomAD 0.01%). This variant has not been reported in the literature in individuals affected with SUCLG1-related conditions. ClinVar contains an entry for this variant (Variation ID: 2180604). Invitae Evidence Modeling of protein sequence and biophysical properties (such as structural, functional, and spatial information, amino acid conservation, physicochemical variation, residue mobility, and thermodynamic stability) has been performed for this missense variant. However, the output from this modeling did not meet the statistical confidence thresholds required to predict the impact of this variant on SUCLG1 protein function. In summary, the available evidence is currently insufficient to determine the role of this variant in disease. Therefore, it has been classified as a Variant of Uncertain Significance.

NM_003849.4(SUCLG1):c.218A>T (p.Gln73Leu)

Gene: SUCLG1 (succinate-CoA ligase GDP/ADP-forming subunit alpha; minus strand). Cytogenetic location: 2p11.2.
Variant type: single nucleotide variant.
Coding change: c.218A>T on transcript NM_003849.4 (MANE Select); coding-DNA position 218, A replaced by T.
Protein change: p.Gln73Leu; replaces glutamine 73 with leucine.
Molecular consequence: missense variant.
Genome position (GRCh38, 1-based): chr2:84,443,384, T>A on the plus strand (A>T on the coding strand, the complement: SUCLG1 is on the minus strand). VCF-style: chr2-84443384-T-A. GRCh37 (hg19) VCF-style: chr2-84670508-T-A.
Other names: c.218A>T (NM_003849.3); short protein forms Q73L.
Identifiers: ClinVar variation 2180604 (VCV002180604.5), dbSNP rs1394569651, ClinGen allele CA347516443.
Genomic context (GRCh38, chr2:84,443,384, plus strand): 5'-TGGCCTCCTTTCCCTGGAGTGGTTCCTCCAACGAGTTTGGTGCCATATTCCAATGCCTGC[T>A]GGCTGTGAAAGGTGCCCTGAGGGGAAAAAGCACAAGATCCATGAGAAACAGCAGACTGGT-3'
Protein context (NP_003840.2, residues 63-83): FTGKQGTFHS[Gln73Leu]QALEYGTKLV